The following is an entry in ClinVar:

NM_001256627.2(BRSK2):c.1807A>G (p.Lys603Glu)

Gene: BRSK2 (BR serine/threonine kinase 2; plus strand). Cytogenetic location: 11p15.5.
Variant type: single nucleotide variant.
Coding change: c.1807A>G on transcript NM_001256627.2 (MANE Select); coding-DNA position 1807, A replaced by G.
Protein change: p.Lys603Glu; replaces lysine 603 with glutamic acid.
Molecular consequence: missense variant. On other transcripts: non-coding transcript variant (1).
Genome position (GRCh38, 1-based): chr11:1,456,486, A>G. VCF-style: chr11-1456486-A-G. GRCh37 (hg19) VCF-style: chr11-1477716-A-G.
Other names: c.1693A>G, p.Lys565Glu (NM_001440671.1, NM_001440672.1); c.1627A>G, p.Lys543Glu (NM_001440673.1, NM_001440674.1, NM_001440675.1 and 3 more transcripts); c.1807A>G, p.Lys603Glu (NM_003957.4, NM_001256629.2); c.1945A>G, p.Lys649Glu (NM_001256630.1, NM_001440667.1); c.2239A>G, p.Lys747Glu (NM_001440665.1); c.2173A>G, p.Lys725Glu (NM_001440666.1); c.1873A>G, p.Lys625Glu (NM_001440668.1, NM_001440670.1); short protein forms K543E, K565E, K603E, K625E, K649E, K725E, K747E.
Identifiers: ClinVar variation 4849555 (VCV004849555.1).

ClinVar aggregate classification (germline): Uncertain significance (1 of 4 stars; one submission).

Conditions:
Autosomal dominant non-syndromic intellectual disability. Identifiers: Orphanet 178469, MedGen C5680502, MONDO:0015802.

gnomAD v4.1: 4 of 1,575,534 alleles (0.00025%); highest among the groups gnomAD compares: Admixed American, 0.0036%; no homozygotes.

Submission:

Department of Human Genetics, University Hospital Bern, Inselspital
Classification: Uncertain significance for Autosomal dominant non-syndromic intellectual disability. Last evaluated: 2026-05-03. Review status: criteria provided, single submitter. Criteria: ACMG Guidelines, 2015. Collection method: clinical testing. Allele origin: inherited. Affected: yes.
Comment: The missense variant affects a conserved amino acid in the KA1 domain and is predicted to have a damaging effect by PrimateAI-3D, but not by AlphaMissense. Functional assays in Drosophila indicate a possible gain-of-function effect. In summary, criterion PS3_Moderate was used.

Literature cited by the submitters: PubMed 42509346.